The following is an entry in ClinVar:

ClinVar aggregate classification (germline): Uncertain significance. Review status: criteria provided, multiple submitters, no conflicts (2 of 4 stars). 10 submissions from 10 submitters: Uncertain significance (8). 2 of the submissions do not count toward it. Last evaluated 2025-10-16.

Conditions:
Cardiovascular phenotype. Identifiers: MedGen CN230736.
Cardiac arrhythmia. Also called: Arrhythmia; Cardiac rhythm disease. Identifiers: MedGen C0003811, MONDO:0007263, HP:0011675.
Familial long QT syndrome (RWS). Also called: Congenital long QT syndrome; Romano-Ward syndrome; VENTRICULAR FIBRILLATION WITH PROLONGED QT INTERVAL. Identifiers: Orphanet 768, MedGen C1141890, MONDO:0019171.
Long QT syndrome (LQTS). Identifiers: MedGen C0023976, MeSH D008133, MONDO:0002442. Disease mechanism: loss of function. Inheritance: Various modes of inheritance.
Long QT syndrome 1 (LQT1). Identifiers: Orphanet 101016, Orphanet 768, MedGen C4551647, MONDO:0100316, OMIM 192500, MONDO:0008646.

Allele frequency attached by ClinVar (database versions not stated): TOPMed 0.00002; gnomAD exomes 0.00001 and 0.00003; gnomAD 0.00001.
gnomAD v4.1: 42 of 1,571,048 alleles (0.0027%); highest among the groups gnomAD compares: Middle Eastern, 0.017%; no homozygotes.

Submissions (10):

Labcorp Genetics (formerly Invitae), Labcorp
Classification: Uncertain significance for Long QT syndrome. Last evaluated: 2025-10-16. Review status: criteria provided, single submitter. Criteria: Invitae Variant Classification Sherloc (09022015). Collection method: clinical testing. Allele origin: germline.
Comment: This sequence change replaces glycine, which is neutral and non-polar, with serine, which is neutral and polar, at codon 626 of the KCNQ1 protein (p.Gly626Ser). The frequency data for this variant in the population databases is considered unreliable, as metrics indicate poor data quality at this position in the gnomAD database. This missense change has been observed in individual(s) with clinical features of KCNQ1-related conditions (PMID: 15840476, 19322600). ClinVar contains an entry for this variant (Variation ID: 53022). Invitae Evidence Modeling of protein sequence and biophysical properties (such as structural, functional, and spatial information, amino acid conservation, physicochemical variation, residue mobility, and thermodynamic stability) indicates that this missense variant is not expected to disrupt KCNQ1 protein function with a negative predictive value of 95%. Experimental studies have shown that this missense change does not substantially affect KCNQ1 function (PMID: 34930020). In summary, the available evidence is currently insufficient to determine the role of this variant in disease. Therefore, it has been classified as a Variant of Uncertain Significance.

GeneDx
Classification: Uncertain significance. Last evaluated: 2025-02-26. Review status: criteria provided, single submitter. Criteria: GeneDx Variant Classification Process June 2021. Collection method: clinical testing. Allele origin: germline. Affected: yes.
Comment: Identified in association with LQTS and sudden infant death syndrome (SIDS) (PMID: 15840476, 19716085, 16922724, 19322600); Not observed at significant frequency in large population cohorts (gnomAD); In silico analysis supports that this missense variant does not alter protein structure/function; This variant is associated with the following publications: (PMID: 21215473, 23304551, 34930020, 15840476, 16922724, 19716085, 28316956, 19322600, 31019283, 31043699)

Blueprint Genetics
Classification: Uncertain significance. Last evaluated: 2024-07-17. Review status: criteria provided, single submitter. Criteria: ACMG Guidelines, 2015. Collection method: clinical testing. Allele origin: germline.

Color Diagnostics, LLC DBA Color Health
Classification: Uncertain significance for Cardiac arrhythmia. Last evaluated: 2024-03-19. Review status: criteria provided, single submitter. Criteria: ACMG Guidelines, 2015. Collection method: clinical testing. Allele origin: germline.
Comment: This missense variant replaces glycine with serine at codon 626 of the KCNQ1 protein. Computational prediction is inconclusive regarding the impact of this variant on protein structure and function. A functional study has shown that this variant has no significant impact on channel peak current density (PMID: 34930020). This variant has been reported in an individual affected with sudden infant death syndrome (PMID: 16922724), in an individual suspected of having long QT syndrome (PMID: 15840476), and in a few unaffected individuals (PMID: 19322600, 34930020). This variant has been identified in 2/179998 chromosomes in the general population by the Genome Aggregation Database (gnomAD). The available evidence is insufficient to determine the role of this variant in disease conclusively. Therefore, this variant is classified as a Variant of Uncertain Significance.

Molecular Genetics Laboratory - Cardiogenetics, CHU de Nantes
Classification: Uncertain significance for Long QT syndrome 1. Last evaluated: 2023-08-01. Review status: criteria provided, single submitter. Criteria: ACMG Guidelines, 2015. Collection method: clinical testing. Allele origin: germline. Affected: yes.

Laboratory for Molecular Medicine, Mass General Brigham Personalized Medicine
Classification: Uncertain significance. Last evaluated: 2022-06-30. Review status: criteria provided, single submitter. Criteria: ACMG Guidelines, 2015. Collection method: clinical testing. Allele origin: germline.
Comment: The p.Gly626Ser variant in KCNQ1 has been reported in 1 individual with long QT syndrome (Tester 2005 PMID: 15840476) and in case of infant sudden death, but was also present the asymptomatic mother (Millat 2006 PMID: 16922724). It has also been identified in 0.004% (1/24468) of South Asian chromosomes by gnomAD. Computational prediction tools and conservation analyses suggest that this variant may not impact the protein, though this information is not predictive enough to rule out pathogenicity. In summary, the clinical significance of this variant is uncertain. ACMG/AMP Criteria applied: PM2_Supporting, BP4.

AiLife Diagnostics
Classification: Uncertain significance. Last evaluated: 2021-11-20. Review status: criteria provided, single submitter. Criteria: ACMG Guidelines, 2015. Collection method: clinical testing. Allele origin: germline. Affected: yes. Observed: 1 variant allele.

Ambry Genetics
Classification: Uncertain significance for Cardiovascular phenotype. Last evaluated: 2016-10-24. Review status: criteria provided, single submitter. Criteria: Ambry Variant Classification Scheme 2023. Collection method: clinical testing. Allele origin: germline.

Cardiovascular Biomedical Research Unit, Royal Brompton & Harefield NHS Foundation Trust
No classification provided. Condition: Familial long QT syndrome. Review status: no classification provided. Collection method: literature only. Allele origin: germline. Not counted in ClinVar's aggregate classification.
Comment: This variant has been reported as associated with Long QT syndrome in the following publications (PMID:15840476;PMID:16922724;PMID:19716085). This is a literature report, and does not necessarily reflect the clinical interpretation of the Imperial College / Royal Brompton Cardiovascular Genetics laboratory.

Equipe Genetique des Anomalies du Developpement, Université de Bourgogne
Classification: Pathogenic for Long QT syndrome 1. Last evaluated: 2018-11-21. Review status: flagged submission. Criteria: ACMG Guidelines, 2015. Collection method: clinical testing. Allele origin: unknown. Not counted in ClinVar's aggregate classification.
ClinVar note: Reason: Outlier claim with insufficient supporting evidence

Literature cited by the submitters: PubMed 15840476 (cited by 5 submitters); PubMed 19322600 (cited by Labcorp Genetics (formerly Invitae), Labcorp and Color Diagnostics, LLC DBA Color Health); PubMed 34930020 (cited by Labcorp Genetics (formerly Invitae), Labcorp and Color Diagnostics, LLC DBA Color Health); PubMed 16922724 (cited by 3 submitters); PubMed 19716085 (cited by Laboratory for Molecular Medicine, Mass General Brigham Personalized Medicine and Cardiovascular Biomedical Research Unit, Royal Brompton & Harefield NHS Foundation Trust); PubMed 31043699 (cited by AiLife Diagnostics); PubMed 31019283 (cited by AiLife Diagnostics); PubMed 22581653 (cited by Cardiovascular Biomedical Research Unit, Royal Brompton & Harefield NHS Foundation Trust).

NM_000218.3(KCNQ1):c.1876G>A (p.Gly626Ser)

Genes: KCNQ1 (potassium voltage-gated channel subfamily Q member 1; plus strand), KCNQ1-AS1 (KCNQ1 antisense RNA 1; minus strand). Cytogenetic location: 11p15.4.
Variant type: single nucleotide variant.
Coding change: c.1876G>A on transcript NM_000218.3 (MANE Select); coding-DNA position 1876, G replaced by A.
Protein change: p.Gly626Ser; replaces glycine 626 with serine.
Molecular consequence: missense variant.
Genome position (GRCh38, 1-based): chr11:2,847,848, G>A. VCF-style: chr11-2847848-G-A. GRCh37 (hg19) VCF-style: chr11-2869078-G-A.
Other names: p.G626S:GGC>AGC; c.1876G>A (LRG_287t1); c.1780G>A, p.Gly594Ser (NM_001406836.1); c.1606G>A, p.Gly536Ser (NM_001406837.1); c.1336G>A, p.Gly446Ser (NM_001406838.1); c.388G>A, p.Gly130Ser (NM_001406839.1); c.1495G>A, p.Gly499Ser (NM_181798.2); short protein forms G626S, G499S, G130S, G446S, G536S, G594S.
Identifiers: ClinVar variation 53022 (VCV000053022.17), dbSNP rs199472821, ClinGen allele CA006538.
Genomic context (GRCh38, chr11:2,847,848, plus strand): 5'-CTGGCACTCATCACCGACATGCTTCACCAGCTGCTCTCCTTGCACGGTGGCAGCACCCCC[G>A]GCAGCGGCGGCCCCCCCAGAGAGGGCGGGGCCCACATCACCCAGCCCTGCGGCAGTGGCG-3'
Protein context (NP_000209.2, residues 616-636): LLSLHGGSTP[Gly626Ser]SGGPPREGGA